The following is an entry in ClinVar:

ClinVar aggregate classification (germline): Uncertain significance. Review status: criteria provided, multiple submitters, no conflicts (2 of 4 stars). 2 submissions from 2 submitters: Uncertain significance (2). Last evaluated 2022-06-24.

Conditions:
Autosomal recessive limb-girdle muscular dystrophy type 2L (LGMDR12). Also called: Limb-Girdle Muscular Dystrophy R12 Anoctamin-5-Related (LGMD-R12); Limb-girdle muscular dystrophy, type 2L; MUSCULAR DYSTROPHY, LIMB-GIRDLE, AUTOSOMAL RECESSIVE 12. Identifiers: Orphanet 206549, MedGen C1969785, MONDO:0012652, OMIM 611307.
Gnathodiaphyseal dysplasia (GDD). Also called: GNATHODIAPHYSEAL SCLEROSIS; OSTEOGENESIS IMPERFECTA WITH UNUSUAL SKELETAL LESIONS. Identifiers: Orphanet 53697, MedGen C1833736, MONDO:0008151, OMIM 166260.

Submissions (2):

Labcorp Genetics (formerly Invitae), Labcorp
Classification: Uncertain significance for Autosomal recessive limb-girdle muscular dystrophy type 2L; Gnathodiaphyseal dysplasia. Last evaluated: 2022-06-24. Review status: criteria provided, single submitter. Criteria: Invitae Variant Classification Sherloc (09022015). Collection method: clinical testing. Allele origin: germline.
Comment: In summary, the available evidence is currently insufficient to determine the role of this variant in disease. Therefore, it has been classified as a Variant of Uncertain Significance. Advanced modeling of protein sequence and biophysical properties (such as structural, functional, and spatial information, amino acid conservation, physicochemical variation, residue mobility, and thermodynamic stability) performed at Invitae indicates that this missense variant is expected to disrupt ANO5 protein function. ClinVar contains an entry for this variant (Variation ID: 451418). This variant has not been reported in the literature in individuals affected with ANO5-related conditions. This variant is not present in population databases (gnomAD no frequency). This sequence change replaces glutamic acid, which is acidic and polar, with glycine, which is neutral and non-polar, at codon 880 of the ANO5 protein (p.Glu880Gly).

GeneDx
Classification: Uncertain significance. Last evaluated: 2017-08-18. Review status: criteria provided, single submitter. Criteria: GeneDx Variant Classification (06012015). Collection method: clinical testing. Allele origin: germline. Affected: yes.
Comment: The E880G variant in the ANO5 gene has not been reported previously as a pathogenic variant, nor as a benign variant, to our knowledge. This variant is not observed in large population cohorts (Lek et al., 2016; 1000 Genomes Consortium et al., 2015; Exome Variant Server). The E880G variant is a non-conservative amino acid substitution, which is likely to impact secondary protein structure as these residues differ in polarity, charge, size and/or other properties. In addition, this substitution occurs at a position that is conserved across species, and in silico analysis predicts this variant is probably damaging to the protein structure/function. We interpret E880G as a variant of uncertain significance.

NM_213599.3(ANO5):c.2639A>G (p.Glu880Gly)

Gene: ANO5 (anoctamin 5; plus strand). Cytogenetic location: 11p14.3.
Variant type: single nucleotide variant.
Coding change: c.2639A>G on transcript NM_213599.3 (MANE Select); coding-DNA position 2639, A replaced by G.
Protein change: p.Glu880Gly; replaces glutamic acid 880 with glycine.
Molecular consequence: missense variant.
Genome position (GRCh38, 1-based): chr11:22,279,662, A>G. VCF-style: chr11-22279662-A-G. GRCh37 (hg19) VCF-style: chr11-22301208-A-G.
Other names: c.2636A>G, p.Glu879Gly (NM_001142649.2); short protein forms E880G, E879G.
Identifiers: ClinVar variation 451418 (VCV000451418.7), dbSNP rs1554935957, ClinGen allele CA379925143.